The following is an entry in ClinVar:

NM_021956.5(GRIK2):c.679A>G (p.Ile227Val)

Gene: GRIK2 (glutamate ionotropic receptor kainate type subunit 2; plus strand). Cytogenetic location: 6q16.3.
Variant type: single nucleotide variant.
Coding change: c.679A>G on transcript NM_021956.5 (MANE Select); coding-DNA position 679, A replaced by G.
Protein change: p.Ile227Val; replaces isoleucine 227 with valine.
Molecular consequence: missense variant.
Genome position (GRCh38, 1-based): chr6:101,676,760, A>G. VCF-style: chr6-101676760-A-G. GRCh37 (hg19) VCF-style: chr6-102124635-A-G.
Other names: c.679A>G, p.Ile227Val (NM_001166247.1, NM_175768.3); short protein forms I227V.
Identifiers: ClinVar variation 4795589 (VCV004795589.1).

ClinVar aggregate classification (germline): Uncertain significance (1 of 4 stars; one submission).

Submission:

GeneDx
Classification: Uncertain significance. Last evaluated: 2025-08-11. Review status: criteria provided, single submitter. Criteria: GeneDx Variant Classification Process June 2021. Collection method: clinical testing. Allele origin: germline. Affected: yes.
Comment: Not observed at significant frequency in large population cohorts (gnomAD); In silico analysis suggests that this missense variant does not alter protein structure/function; Has not been previously published as pathogenic or benign to our knowledge